The following is an entry in ClinVar:

ClinVar aggregate classification (germline): Likely benign. Review status: criteria provided, multiple submitters, no conflicts (2 of 4 stars). 2 submissions from 2 submitters: Likely benign (2). Last evaluated 2025-03-11.

Conditions:
Arginine:glycine amidinotransferase deficiency (CCDS3). Also called: Creatine deficiency syndrome due to AGAT deficiency; GATM deficiency; Cerebral creatine deficiency syndrome 3; L-Arginine:Glycine Amidinotransferase (AGAT) Deficiency; L-Arginine:Glycine Amidinotransferase Deficiency; AGAT deficiency. Identifiers: Orphanet 35704, MedGen C2675179, MONDO:0012996, OMIM 612718.

Submissions (2):

Labcorp Genetics (formerly Invitae), Labcorp
Classification: Likely benign for Arginine:glycine amidinotransferase deficiency. Last evaluated: 2025-03-11. Review status: criteria provided, single submitter. Criteria: Invitae Variant Classification Sherloc (09022015). Collection method: clinical testing. Allele origin: germline.

GeneDx
Classification: Likely benign. Last evaluated: 2016-06-29. Review status: criteria provided, single submitter. Criteria: GeneDx Variant Classification (06012015). Collection method: clinical testing. Allele origin: germline. Affected: yes.
Comment: This variant is considered likely benign or benign based on one or more of the following criteria: it is a conservative change, it occurs at a poorly conserved position in the protein, it is predicted to be benign by multiple in silico algorithms, and/or has population frequency not consistent with disease.

NM_001482.3(GATM):c.69+7GC[4]

Genes: GATM (glycine amidinotransferase; minus strand), LOC130056991 (ATAC-STARR-seq lymphoblastoid silent region 6406; plus strand). Cytogenetic location: 15q21.1.
Variant type: Microsatellite.
Coding change: c.69+7GC[4] on transcript NM_001482.3 (MANE Select); four copies in a row of the 2-base unit GC starting at c.69+7; the reference has two copies in a row; two copies, 4 bases duplicated.
Molecular consequence: intron variant.
Genome position (GRCh38, 1-based): chr15:45,378,375-45,378,378, GCGC duplicated on the plus strand (GCGC on the coding strand, the reverse complement: GATM is on the minus strand). VCF-style (leftmost placement, unchanged base first): chr15-45378374-G-GGCGC. GRCh37 (hg19) VCF-style: chr15-45670572-G-GGCGC.
Other names: c.-318-1559GC[4] (NM_001321015.2).
Identifiers: ClinVar variation 421528 (VCV000421528.2), dbSNP rs1064795192, ClinGen allele CA16619936.
Genomic context (GRCh38, chr15:45,378,374, plus strand): 5'-CGAGTGCTCCACGCCGCCCGCAGGATCGAGTGAGTCACGCGGCCGCCAGACGAGGCCGGT[G>GGCGC]GCGCACGCACCCGAGATCCGATGTAGTGCACCGCCTCGGCGCCGCGGCTCCCGCCGCGCA-3'